The following is an entry in ClinVar:

NM_004859.4(CLTC):c.1644+3A>G

Gene: CLTC (clathrin heavy chain; plus strand). Cytogenetic location: 17q23.1.
Variant type: single nucleotide variant.
Coding change: c.1644+3A>G on transcript NM_004859.4 (MANE Select); 3 bases into the intron after coding-DNA position 1644, A replaced by G.
Molecular consequence: intron variant.
Genome position (GRCh38, 1-based): chr17:59,664,912, A>G. VCF-style: chr17-59664912-A-G. GRCh37 (hg19) VCF-style: chr17-57742273-A-G.
Other names: c.1656+3A>G (NM_001288653.2).
Identifiers: ClinVar variation 2780539 (VCV002780539.3), dbSNP rs1382153355, ClinGen allele CA626766006.
Genomic context (GRCh38, chr17:59,664,912, plus strand): 5'-ACAGCAGTTTGCCCAAATGTTAGTTCAAGATGAAGAGCCTCTTGCTGACATCACACAGGT[A>G]ATGTGATTAAAATATATTTTGTAGAAGCTGATTGAAATGGAGAGTGGGGGCCAGCCATGG-3'

ClinVar aggregate classification (germline): Uncertain significance (1 of 4 stars; one submission).

Allele frequency attached by ClinVar (database versions not stated): gnomAD exomes below 0.00001.
gnomAD v4.1: 2 of 1,613,762 alleles (0.00012%); highest among the groups gnomAD compares: Admixed American, 0.0033%; no homozygotes.

Submission:

Labcorp Genetics (formerly Invitae), Labcorp
Classification: Uncertain significance. Last evaluated: 2023-12-19. Review status: criteria provided, single submitter. Criteria: Invitae Variant Classification Sherloc (09022015). Collection method: clinical testing. Allele origin: germline.
Comment: This sequence change falls in intron 10 of the CLTC gene. It does not directly change the encoded amino acid sequence of the CLTC protein. It affects a nucleotide within the consensus splice site. This variant is present in population databases (no rsID available, gnomAD 0.006%). This variant has not been reported in the literature in individuals affected with CLTC-related conditions. Variants that disrupt the consensus splice site are a relatively common cause of aberrant splicing (PMID: 17576681, 9536098). Algorithms developed to predict the effect of sequence changes on RNA splicing suggest that this variant is not likely to affect RNA splicing. In summary, the available evidence is currently insufficient to determine the role of this variant in disease. Therefore, it has been classified as a Variant of Uncertain Significance.

Literature cited by the submitters: PubMed 17576681; PubMed 9536098.